The following is an entry in ClinVar:

NM_002332.3(LRP1):c.577G>A (p.Glu193Lys)

Genes: LRP1 (LDL receptor related protein 1; plus strand), LRP1-AS (LRP1 antisense RNA; minus strand). Cytogenetic location: 12q13.3.
Variant type: single nucleotide variant.
Coding change: c.577G>A on transcript NM_002332.3 (MANE Select); coding-DNA position 577, G replaced by A.
Protein change: p.Glu193Lys; replaces glutamic acid 193 with lysine.
Molecular consequence: missense variant.
Genome position (GRCh38, 1-based): chr12:57,145,100, G>A. VCF-style: chr12-57145100-G-A. GRCh37 (hg19) VCF-style: chr12-57538883-G-A.
Other names: short protein forms E193K.
Identifiers: ClinVar variation 5016952 (VCV005016952.1).
Genomic context (GRCh38, chr12:57,145,100, plus strand): 5'-TGTGGCTGTGTTGAAGGATACCTCCTGCAGCCGGATAACCGCTCCTGCAAGGCCAAGAAC[G>A]GTGGGTGGGGTTGCCTCTGGCCACAGTGCTAACTAAGCCCCCTCAATGCTGTTCCCTGGT-3'
Protein context (NP_002323.2, residues 183-203): PDNRSCKAKN[Glu193Lys]PVDRPPVLLI

ClinVar aggregate classification (germline): Uncertain significance (1 of 4 stars; one submission).

Submission:

GeneDx
Classification: Uncertain significance. Last evaluated: 2026-03-24. Review status: criteria provided, single submitter. Criteria: GeneDx Variant Classification Process June 2021. Collection method: clinical testing. Allele origin: germline.
Comment: Has not been previously published as pathogenic or benign to our knowledge; Not observed at significant frequency in large population cohorts (gnomAD); In silico analysis suggests that this missense variant does not alter protein structure/function; In silico analysis supports that this missense variant has a deleterious effect on splicing; Variants in candidate genes are classified as variants of uncertain significance in accordance with ACMG guidelines (PMID: 25741868)